The following is an entry in ClinVar:

NM_000492.4(CFTR):c.3658A>T (p.Thr1220Ser)

Genes: CFTR (CF transmembrane conductance regulator; plus strand), CFTR-AS2 (CFTR antisense RNA 2; minus strand). Cytogenetic location: 7q31.2.
Variant type: single nucleotide variant.
Coding change: c.3658A>T on transcript NM_000492.4 (MANE Select); coding-DNA position 3658, A replaced by T.
Protein change: p.Thr1220Ser; replaces threonine 1220 with serine.
Molecular consequence: missense variant.
Genome position (GRCh38, 1-based): chr7:117,627,711, A>T. VCF-style: chr7-117627711-A-T. GRCh37 (hg19) VCF-style: chr7-117267765-A-T.
Other names: short protein forms T1220S.
Identifiers: ClinVar variation 3832583 (VCV003832583.1).
Genomic context (GRCh38, chr7:117,627,711, plus strand): 5'-AAAGATGACATCTGGCCCTCAGGGGGCCAAATGACTGTCAAAGATCTCACAGCAAAATAC[A>T]CAGAAGGTGGAAATGCCATATTAGAGAACATTTCCTTCTCAATAAGTCCTGGCCAGAGGG-3'
Protein context (NP_000483.3, residues 1210-1230): MTVKDLTAKY[Thr1220Ser]EGGNAILENI

ClinVar aggregate classification (germline): Uncertain significance (1 of 4 stars; one submission).

Conditions:
Cystic fibrosis (CF). Also called: MUCOVISCIDOSIS. Identifiers: Orphanet 586, MedGen C0010674, MONDO:0009061, OMIM 219700. Disease mechanism: loss of function.

Submission:

Ambry Genetics
Classification: Uncertain significance for Cystic fibrosis. Last evaluated: 2025-01-20. Review status: criteria provided, single submitter. Criteria: Ambry Variant Classification Scheme 2023. Collection method: clinical testing. Allele origin: germline.
Comment: The p.T1220S variant (also known as c.3658A>T), located in coding exon 22 of the CFTR gene, results from an A to T substitution at nucleotide position 3658. The threonine at codon 1220 is replaced by serine, an amino acid with similar properties. This amino acid position is conserved. In addition, this alteration is predicted to be tolerated by in silico analysis. Based on the available evidence, the clinical significance of this variant remains unclear.